The following is an entry in ClinVar:

ClinVar aggregate classification (germline): Likely pathogenic (1 of 4 stars; one submission).

Allele frequency attached by ClinVar (database versions not stated): TOPMed below 0.00001 and 0.00001; gnomAD 0.00002 and 0.00003.
gnomAD v4.1: 6 of 1,614,002 alleles (0.00037%); highest among the groups gnomAD compares: South Asian, 0.0022%; no homozygotes.

Submission:

GeneDx
Classification: Likely pathogenic. Last evaluated: 2018-12-04. Review status: criteria provided, single submitter. Criteria: GeneDx Variant Classification (06012015). Collection method: clinical testing. Allele origin: germline. Affected: yes.
Comment: The R159X variant in the NALCN gene has not been published as a pathogenic variant, nor has it been reported as a benign variant to our knowledge. This variant is not observed at a significant frequency in large population cohorts (Lek et al., 2016). The R159X variant is predicted to cause loss of normal protein function either through protein truncation or nonsense-mediated mRNA decay. Therefore, this variant is likely pathogenic.

NM_052867.4(NALCN):c.475C>T (p.Arg159Ter)

Gene: NALCN (sodium leak channel, non-selective; minus strand). Cytogenetic location: 13q33.1.
Variant type: single nucleotide variant.
Coding change: c.475C>T on transcript NM_052867.4 (MANE Select); coding-DNA position 475, C replaced by T.
Protein change: p.Arg159Ter; replaces arginine 159 with a stop codon.
Molecular consequence: nonsense.
Genome position (GRCh38, 1-based): chr13:101,376,957, G>A on the plus strand (C>T on the coding strand, the complement: NALCN is on the minus strand). VCF-style: chr13-101376957-G-A. GRCh37 (hg19) VCF-style: chr13-102029308-G-A.
Other names: c.475C>T, p.Arg159Ter (NM_001350748.2, NM_001350749.2, NM_001350750.2 and 1 more transcripts); short protein forms R159*.
Identifiers: ClinVar variation 620490 (VCV000620490.1), dbSNP rs771015295, ClinGen allele CA256080658.
Genomic context (GRCh38, chr13:101,376,957, plus strand): 5'-TATTGTAAAGCAGCGCTCACTTTAAAATATTTGTAATTCTGGTCCTTGGCAGTTCAAATC[G>A]GAAATAAATCCGGAATGCTCGGATCATAATCAGTGGCCGTGGAATCCGCAACATGCCCCA-3'